The following is an entry in ClinVar:

NM_015378.4(VPS13D):c.9375T>A (p.Ile3125=)

Gene: VPS13D (vacuolar protein sorting 13 homolog D; plus strand). Cytogenetic location: 1p36.22.
Variant type: single nucleotide variant.
Coding change: c.9375T>A on transcript NM_015378.4 (MANE Select); coding-DNA position 9375, T replaced by A.
Protein change: p.Ile3125=; no amino-acid change (isoleucine 3125 retained).
Molecular consequence: synonymous variant.
Genome position (GRCh38, 1-based): chr1:12,349,318, T>A. VCF-style: chr1-12349318-T-A. GRCh37 (hg19) VCF-style: chr1-12409375-T-A.
Other names: p.Ile3125=; c.9300T>A, p.Ile3100= (NM_018156.4); c.9375T>A (NM_015378.3).
Identifiers: ClinVar variation 1666787 (VCV001666787.28), dbSNP rs145427300, ClinGen allele CA603406.

ClinVar aggregate classification (germline): Likely benign. Review status: criteria provided, multiple submitters, no conflicts (2 of 4 stars). 5 submissions from 5 submitters: Likely benign (4). 1 of the submissions does not count toward it. Last evaluated 2025-10-09.

Conditions:
VPS13D-related disorder. Also called: VPS13D-related condition.

Allele frequency attached by ClinVar (database versions not stated): ESP Exome Variant Server 0.00038; 1000 Genomes Project 0.00060; 1000 Genomes Project 30x 0.00062.
gnomAD v4.1: 1,134 of 1,614,184 alleles (0.07%); highest among the groups gnomAD compares: Non-Finnish European, 0.088%; no homozygotes.

Submissions (5):

Labcorp Genetics (formerly Invitae), Labcorp
Classification: Likely benign. Last evaluated: 2025-10-09. Review status: criteria provided, single submitter. Criteria: Invitae Variant Classification Sherloc (09022015). Collection method: clinical testing. Allele origin: germline.

Mayo Clinic Laboratories, Mayo Clinic
Classification: Likely benign. Last evaluated: 2025-08-26. Review status: criteria provided, single submitter. Criteria: ACMG Guidelines, 2015. Collection method: clinical testing. Allele origin: germline. Observed: 4 variant alleles.
Comment: BP4, BP7

Blueprint Genetics
Classification: Likely benign. Last evaluated: 2024-10-24. Review status: criteria provided, single submitter. Criteria: ACMG Guidelines, 2015. Collection method: clinical testing. Allele origin: germline.

CeGaT Center for Human Genetics Tuebingen
Classification: Likely benign. Last evaluated: 2024-07-01. Review status: criteria provided, single submitter. Criteria: CeGaT Center For Human Genetics Tuebingen Variant Classification Criteria Version 2. Collection method: clinical testing. Allele origin: germline. Affected: yes. Observed: 1 variant allele.
Comment: VPS13D: BP4, BP7

PreventionGenetics, part of Exact Sciences
Classification: Likely benign for VPS13D-related condition. Last evaluated: 2019-04-29. Review status: no assertion criteria provided. Collection method: clinical testing. Allele origin: germline. Not counted in ClinVar's aggregate classification.
Comment: This variant is classified as likely benign based on ACMG/AMP sequence variant interpretation guidelines (Richards et al. 2015 PMID: 25741868, with internal and published modifications).